The following is an entry in ClinVar:

NM_017934.7(PHIP):c.1379A>G (p.His460Arg)

Gene: PHIP (PHIP subunit of CUL4-Ring ligase complex; minus strand). Cytogenetic location: 6q14.1.
Variant type: single nucleotide variant.
Coding change: c.1379A>G on transcript NM_017934.7 (MANE Select); coding-DNA position 1379, A replaced by G.
Protein change: p.His460Arg; replaces histidine 460 with arginine.
Molecular consequence: missense variant.
Genome position (GRCh38, 1-based): chr6:79,015,640, T>C on the plus strand (A>G on the coding strand, the complement: PHIP is on the minus strand). VCF-style: chr6-79015640-T-C. GRCh37 (hg19) VCF-style: chr6-79725357-T-C.
Other names: c.1379A>G (NM_017934.5); short protein forms H460R.
Identifiers: ClinVar variation 3345517 (VCV003345517.3).
Genomic context (GRCh38, chr6:79,015,640, plus strand): 5'-TCTATAGTCAGCTTCAGTTATATCAAATAAAGATTAGAATTTTTTCTCACCATCAGGACA[T>C]GAATTAGTTGACCAGTGTAAGAATTCCAAACTTTCAGAGTCATGTTATTAACTGCAGTTA-3'
Protein context (NP_060404.4, residues 450-470): VWNSYTGQLI[His460Arg]VLMGHEDEVF

ClinVar aggregate classification (germline): Uncertain significance. Review status: criteria provided, single submitter (1 of 4 stars). 2 submissions from 2 submitters: Uncertain significance (1). 1 of the submissions does not count toward it. Last evaluated 2026-09-23.

Conditions:
PHIP-related disorder. Also called: PHIP-related condition; PHIP-related disorders.

gnomAD v4.1: 1 of 1,601,770 alleles (0.000062%); no homozygotes.

Submissions (2):

GeneDx
Classification: Uncertain significance. Last evaluated: 2026-09-23. Review status: criteria provided, single submitter. Criteria: GeneDx Variant Classification Process June 2021. Collection method: clinical testing. Allele origin: germline.
Comment: Not observed at significant frequency in large population cohorts (gnomAD); In silico analysis supports that this missense variant has a deleterious effect on protein structure/function; Has not been previously published as pathogenic or benign to our knowledge

PreventionGenetics, part of Exact Sciences
Classification: Uncertain significance for PHIP-related condition. Last evaluated: 2024-08-26. Review status: no assertion criteria provided. Collection method: clinical testing. Allele origin: germline. Not counted in ClinVar's aggregate classification.
Comment: The PHIP c.1379A>G variant is predicted to result in the amino acid substitution p.His460Arg. To our knowledge, this variant has not been reported in the literature or in a large population database, indicating this variant is rare. At this time, the clinical significance of this variant is uncertain due to the absence of conclusive functional and genetic evidence.